The following is an entry in ClinVar:

NM_018249.6(CDK5RAP2):c.999+277AT[6]

Gene: CDK5RAP2 (CDK5 regulatory subunit associated protein 2; minus strand). Cytogenetic location: 9q33.2.
Variant type: Microsatellite.
Coding change: c.999+277AT[6] on transcript NM_018249.6 (MANE Select); six copies in a row of the 2-base unit AT starting at c.999+277; the reference has five copies in a row; one copy, 2 bases duplicated.
Molecular consequence: intron variant.
Genome position (GRCh38, 1-based): chr9:120,527,520-120,527,521, AT duplicated on the plus strand (AT on the coding strand, the reverse complement: CDK5RAP2 is on the minus strand); duplicating any 2 consecutive bases within chr9:120,527,520-120,527,530 gives the same sequence; the position shown is the placement nearest the transcript's 3' end. VCF-style (leftmost placement, unchanged base first): chr9-120527519-G-GAT. GRCh37 (hg19) VCF-style: chr9-123289797-G-GAT.
Other names: c.999+277AT[6] (NM_001272039.2, NM_001011649.3).
Identifiers: ClinVar variation 668861 (VCV000668861.1), dbSNP rs112373921, ClinGen allele CA199288781.

ClinVar aggregate classification (germline): Benign (1 of 4 stars; one submission).

Submission:

GeneDx
Classification: Benign. Last evaluated: 2018-06-16. Review status: criteria provided, single submitter. Criteria: GeneDx Variant Classification (06012015). Collection method: clinical testing. Allele origin: germline. Affected: yes.
Comment: This variant is considered likely benign or benign based on one or more of the following criteria: it is a conservative change, it occurs at a poorly conserved position in the protein, it is predicted to be benign by multiple in silico algorithms, and/or has population frequency not consistent with disease.